The following is an entry in ClinVar:

NC_000015.9:g.(?_44865725)_(44867259_?)dup

Gene: SPG11 (SPG11 vesicle trafficking associated, spatacsin; minus strand). Cytogenetic location: 15q21.1.
Variant type: Duplication.
Identifiers: ClinVar variation 466501 (VCV000466501.7).

ClinVar aggregate classification (germline): Uncertain significance (1 of 4 stars; one submission).

Conditions:
Hereditary spastic paraplegia 11. Also called: SPASTIC PARAPLEGIA, AUTOSOMAL RECESSIVE, COMPLICATED, WITH THIN CORPUS CALLOSUM; SPASTIC PARAPLEGIA, AUTOSOMAL RECESSIVE, WITH MENTAL IMPAIRMENT AND THIN CORPUS CALLOSUM; Nakamura Osame syndrome; Autosomal recessive hereditary spastic paraplegia, mental impairment, and thin corpus callosum; Spastic paraplegia, mental retardation and thin corpus callosum; Spastic Paraplegia 11. Identifiers: Orphanet 2822, MedGen C1858479, MONDO:0011445, OMIM 604360.

Submission:

Labcorp Genetics (formerly Invitae), Labcorp
Classification: Uncertain significance for Hereditary spastic paraplegia 11. Last evaluated: 2022-07-20. Review status: criteria provided, single submitter. Criteria: Invitae Variant Classification Sherloc (09022015). Collection method: clinical testing. Allele origin: germline.
Comment: This variant results in a copy number gain of the genomic region encompassing exon(s) 31-32 of the SPG11 gene. While the exact position of this variant cannot be determined from the data, sub-genic copy number gains are generally in tandem (PMID: 25640679). This variant is predicted to be in-frame, and likely preserves the integrity of the reading frame. This variant has not been reported in the literature in individuals affected with SPG11-related conditions. In summary, the available evidence is currently insufficient to determine the role of this variant in disease. Therefore, it has been classified as a Variant of Uncertain Significance.

Literature cited by the submitters: PubMed 25640679.